The following is an entry in ClinVar:

NM_001040108.2(MLH3):c.3828-15A>C

Gene: MLH3 (mutL homolog 3; minus strand). Cytogenetic location: 14q24.3.
Variant type: single nucleotide variant.
Coding change: c.3828-15A>C on transcript NM_001040108.2 (MANE Select); 15 bases into the intron before coding-DNA position 3828, A replaced by C.
Molecular consequence: intron variant.
Genome position (GRCh38, 1-based): chr14:75,030,717, T>G on the plus strand (A>C on the coding strand, the complement: MLH3 is on the minus strand). VCF-style: chr14-75030717-T-G. GRCh37 (hg19) VCF-style: chr14-75497420-T-G.
Other names: c.3756-15A>C (NM_014381.3).
Identifiers: ClinVar variation 492690 (VCV000492690.11), dbSNP rs200169541, ClinGen allele CA7275309.

ClinVar aggregate classification (germline): Likely benign. Review status: criteria provided, multiple submitters, no conflicts (2 of 4 stars). 3 submissions from 3 submitters: Likely benign (2). 1 of the submissions does not count toward it. Last evaluated 2026-04-28.

Conditions:
Colorectal cancer, hereditary nonpolyposis, type 7. Identifiers: Orphanet 144, MedGen C1858380, MONDO:0013725, OMIM 614385.

Allele frequency attached by ClinVar (database versions not stated): TOPMed 0.00006; gnomAD exomes 0.00013 and 0.00006; gnomAD 0.00005; ExAC 0.00008.
gnomAD v4.1: 188 of 1,606,228 alleles (0.012%); highest among the groups gnomAD compares: Non-Finnish European, 0.015%; no homozygotes.

Submissions (3):

Myriad Genetics, Inc.
Classification: Likely benign for Colorectal cancer, hereditary nonpolyposis, type 7. Last evaluated: 2026-04-28. Review status: criteria provided, single submitter. Criteria: Myriad Autosomal Dominant, Autosomal Recessive and X-Linked Classification Criteria (2023). Collection method: clinical testing. Allele origin: unknown.
Comment: This variant is considered likely benign. This variant is intronic and is not expected to impact mRNA splicing.

Center for Genomic Medicine, Rigshospitalet, Copenhagen University Hospital
Classification: Likely benign. Last evaluated: 2025-03-04. Review status: criteria provided, single submitter. Criteria: ACMG Guidelines, 2015. Collection method: clinical testing. Allele origin: germline.

Mayo Clinic Laboratories, Mayo Clinic
Classification: Likely benign. Review status: no assertion criteria provided. Collection method: clinical testing. Allele origin: unknown. Not counted in ClinVar's aggregate classification.